The following is an entry in ClinVar:

NM_000069.3(CACNA1S):c.2762T>C (p.Met921Thr)

Gene: CACNA1S (calcium voltage-gated channel subunit alpha1 S; minus strand). Cytogenetic location: 1q32.1.
Variant type: single nucleotide variant.
Coding change: c.2762T>C on transcript NM_000069.3 (MANE Select); coding-DNA position 2762, T replaced by C.
Protein change: p.Met921Thr; replaces methionine 921 with threonine.
Molecular consequence: missense variant.
Genome position (GRCh38, 1-based): chr1:201,065,929, A>G on the plus strand (T>C on the coding strand, the complement: CACNA1S is on the minus strand). VCF-style: chr1-201065929-A-G. GRCh37 (hg19) VCF-style: chr1-201035057-A-G.
Other names: short protein forms M921T.
Identifiers: ClinVar variation 2948086 (VCV002948086.4), dbSNP rs765793568, ClinGen allele CA079277.

ClinVar aggregate classification (germline): Conflicting classifications of pathogenicity. Review status: criteria provided, conflicting classifications (1 of 4 stars). 2 submissions from 2 submitters: Uncertain significance (1); Likely benign (1). Last evaluated 2025-03-31.

Conditions:
Hypokalemic periodic paralysis, type 1. Also called: HypoPP; Hypokalemic Periodic Paralysis Type 1 (AD). Identifiers: Orphanet 681, MedGen C3714580, MONDO:0042979, OMIM 170400.
Malignant hyperthermia, susceptibility to, 5 (MHS5). Also called: CACNA1S-Related Malignant Hyperthermia Susceptibility. Identifiers: Orphanet 423, MedGen C1866077, MONDO:0011163, OMIM 601887.

Allele frequency attached by ClinVar (database versions not stated): gnomAD exomes below 0.00001; TOPMed below 0.00001; ExAC 0.00001.
gnomAD v4.1: 5 of 1,613,094 alleles (0.00031%); highest among the groups gnomAD compares: Admixed American, 0.005%; no homozygotes.

Submissions (2):

Labcorp Genetics (formerly Invitae), Labcorp
Classification: Likely benign for Hypokalemic periodic paralysis, type 1; Malignant hyperthermia, susceptibility to, 5. Last evaluated: 2025-03-31. Review status: criteria provided, single submitter. Criteria: Invitae Variant Classification Sherloc (09022015). Collection method: clinical testing. Allele origin: germline.

All of Us Research Program, National Institutes of Health
Classification: Uncertain significance for Malignant hyperthermia, susceptibility to, 5. Last evaluated: 2024-08-06. Review status: criteria provided, single submitter. Criteria: ACMG Guidelines, 2015. Collection method: clinical testing. Allele origin: germline. Inheritance: Autosomal dominant inheritance. Observed: 1 variant allele, 1 heterozygote.
Comment: This study involves interpretation of variants in research participants for the purpose of population health screening. Participant phenotype was not available at the time of variant classification. Additional details can be found in publication PMID: 35346344, PMCID: PMC8962531